The following is an entry in ClinVar:

ClinVar aggregate classification (germline): Uncertain significance (1 of 4 stars; one submission).

Submission:

GeneDx
Classification: Uncertain significance. Last evaluated: 2026-08-31. Review status: criteria provided, single submitter. Criteria: GeneDx Variant Classification Process June 2021. Collection method: clinical testing. Allele origin: germline.
Comment: Not observed at significant frequency in large population cohorts (gnomAD); In silico analysis supports a deleterious effect on splicing; Has not been previously published as pathogenic or benign to our knowledge

NM_015335.5(MED13L):c.4532-13T>G

Gene: MED13L (mediator complex subunit 13L; minus strand). Cytogenetic location: 12q24.21.
Variant type: single nucleotide variant.
Coding change: c.4532-13T>G on transcript NM_015335.5 (MANE Select); 13 bases into the intron before coding-DNA position 4532, T replaced by G.
Molecular consequence: intron variant.
Genome position (GRCh38, 1-based): chr12:115,983,553, A>C on the plus strand (T>G on the coding strand, the complement: MED13L is on the minus strand). VCF-style: chr12-115983553-A-C. GRCh37 (hg19) VCF-style: chr12-116421358-A-C.
Identifiers: ClinVar variation 1804302 (VCV001804302.2), dbSNP rs1284749965, ClinGen allele CA2580085869.